The following is an entry in ClinVar:

NM_015450.3(POT1):c.1756A>G (p.Ile586Val)

Gene: POT1 (protection of telomeres 1; minus strand). Cytogenetic location: 7q31.33.
Variant type: single nucleotide variant.
Coding change: c.1756A>G on transcript NM_015450.3 (MANE Select); coding-DNA position 1756, A replaced by G.
Protein change: p.Ile586Val; replaces isoleucine 586 with valine.
Molecular consequence: missense variant. On other transcripts: non-coding transcript variant (3).
Genome position (GRCh38, 1-based): chr7:124,825,288, T>C on the plus strand (A>G on the coding strand, the complement: POT1 is on the minus strand). VCF-style: chr7-124825288-T-C. GRCh37 (hg19) VCF-style: chr7-124465342-T-C.
Other names: c.1363A>G, p.Ile455Val (NM_001042594.2); short protein forms I586V, I455V.
Identifiers: ClinVar variation 475060 (VCV000475060.12), dbSNP rs1554415137, ClinGen allele CA369062246.

ClinVar aggregate classification (germline): Uncertain significance. Review status: criteria provided, multiple submitters, no conflicts (2 of 4 stars). 2 submissions from 2 submitters: Uncertain significance (2). Last evaluated 2025-02-13.

Conditions:
Tumor predisposition syndrome 3 (TPDS3). Also called: Glioma susceptibility 9; LONG TELOMERE SYNDROME, POT1-RELATED; POT1 Tumor Predisposition; Melanoma, cutaneous malignant, susceptibility to, 10. Identifiers: Orphanet 618, MedGen C4014476, MONDO:0014368, OMIM 615848.
Hereditary cancer-predisposing syndrome. Also called: Hereditary neoplastic syndrome; Hereditary Cancer Syndrome; Neoplastic Syndromes, Hereditary; Tumor predisposition. Identifiers: Orphanet 140162, MedGen C0027672, MeSH D009386, MONDO:0015356.

Allele frequency attached by ClinVar (database versions not stated): gnomAD exomes below 0.00001; TOPMed below 0.00001.
gnomAD v4.1: 1 of 1,610,488 alleles (0.000062%); highest among the groups gnomAD compares: Non-Finnish European, 0.000085%; no homozygotes.

Submissions (2):

Labcorp Genetics (formerly Invitae), Labcorp
Classification: Uncertain significance for Tumor predisposition syndrome 3. Last evaluated: 2025-02-13. Review status: criteria provided, single submitter. Criteria: Invitae Variant Classification Sherloc (09022015). Collection method: clinical testing. Allele origin: germline.
Comment: This sequence change replaces isoleucine, which is neutral and non-polar, with valine, which is neutral and non-polar, at codon 586 of the POT1 protein (p.Ile586Val). This variant is not present in population databases (gnomAD no frequency). This variant has not been reported in the literature in individuals affected with POT1-related conditions. ClinVar contains an entry for this variant (Variation ID: 475060). Invitae Evidence Modeling of protein sequence and biophysical properties (such as structural, functional, and spatial information, amino acid conservation, physicochemical variation, residue mobility, and thermodynamic stability) indicates that this missense variant is not expected to disrupt POT1 protein function with a negative predictive value of 80%. In summary, the available evidence is currently insufficient to determine the role of this variant in disease. Therefore, it has been classified as a Variant of Uncertain Significance.

Ambry Genetics
Classification: Uncertain significance for Hereditary cancer-predisposing syndrome. Last evaluated: 2024-10-14. Review status: criteria provided, single submitter. Criteria: Ambry Variant Classification Scheme 2023. Collection method: clinical testing. Allele origin: germline.
Comment: The p.I586V variant (also known as c.1756A>G), located in coding exon 14 of the POT1 gene, results from an A to G substitution at nucleotide position 1756. The isoleucine at codon 586 is replaced by valine, an amino acid with highly similar properties. This amino acid position is conserved. In addition, this alteration is predicted to be tolerated by in silico analysis. Since supporting evidence is limited at this time, the clinical significance of this alteration remains unclear.